The following is an entry in ClinVar:

ClinVar aggregate classification (germline): Uncertain significance. Review status: criteria provided, multiple submitters, no conflicts (2 of 4 stars). 3 submissions from 3 submitters: Uncertain significance (3). Last evaluated 2025-09-28.

Conditions:
Inborn genetic diseases. Identifiers: MedGen C0950123, MeSH D030342.
Peroxisome biogenesis disorder. Identifiers: Orphanet 79189, MedGen C1832200, MONDO:0019234. Disease mechanism: loss of function.

gnomAD v4.1: 31 of 1,613,584 alleles (0.0019%); highest among the groups gnomAD compares: Non-Finnish European, 0.0025%; no homozygotes.

Submissions (3):

Ambry Genetics
Classification: Uncertain significance for Inborn genetic diseases. Last evaluated: 2025-09-28. Review status: criteria provided, single submitter. Criteria: Ambry Variant Classification Scheme 2023. Collection method: clinical testing. Allele origin: germline.

Blueprint Genetics
Classification: Uncertain significance. Last evaluated: 2024-01-22. Review status: criteria provided, single submitter. Criteria: ACMG Guidelines, 2015. Collection method: clinical testing. Allele origin: germline.

Labcorp Genetics (formerly Invitae), Labcorp
Classification: Uncertain significance for Peroxisome biogenesis disorder. Last evaluated: 2022-08-23. Review status: criteria provided, single submitter. Criteria: Invitae Variant Classification Sherloc (09022015). Collection method: clinical testing. Allele origin: germline.
Comment: This sequence change replaces arginine, which is basic and polar, with proline, which is neutral and non-polar, at codon 522 of the PEX6 protein (p.Arg522Pro). This variant is present in population databases (rs374396138, gnomAD 0.004%). This variant has not been reported in the literature in individuals affected with PEX6-related conditions. Algorithms developed to predict the effect of missense changes on protein structure and function are either unavailable or do not agree on the potential impact of this missense change (SIFT: "Tolerated"; PolyPhen-2: "Probably Damaging"; Align-GVGD: "Class C0"). In summary, the available evidence is currently insufficient to determine the role of this variant in disease. Therefore, it has been classified as a Variant of Uncertain Significance.

NM_000287.4(PEX6):c.1565G>C (p.Arg522Pro)

Gene: PEX6 (peroxisomal biogenesis factor 6; minus strand). Cytogenetic location: 6p21.1.
Variant type: single nucleotide variant.
Coding change: c.1565G>C on transcript NM_000287.4 (MANE Select); coding-DNA position 1565, G replaced by C.
Protein change: p.Arg522Pro; replaces arginine 522 with proline.
Molecular consequence: missense variant. On other transcripts: non-coding transcript variant (1).
Genome position (GRCh38, 1-based): chr6:42,968,413, C>G on the plus strand (G>C on the coding strand, the complement: PEX6 is on the minus strand). VCF-style: chr6-42968413-C-G. GRCh37 (hg19) VCF-style: chr6-42936151-C-G.
Other names: c.1301G>C, p.Arg434Pro (NM_001316313.2); c.1565G>C (NM_000287.3); short protein forms R522P, R434P.
Identifiers: ClinVar variation 2142461 (VCV002142461.3), dbSNP rs374396138, ClinGen allele CA3811290.
Genomic context (GRCh38, chr6:42,968,413, plus strand): 5'-CCCAGCCCATCACGGTCCCGGCCCAGAAGGTCCACAGCTGTGAGCAACAGGACTGCAGGC[C>G]GGCAACGGCGGGCCCGGGAGAAGATGGCCTGCAGTTTTGTCTCCACAGCCCCACTACTTT-3'
Protein context (NP_000278.3, residues 512-532): QAIFSRARRC[Arg522Pro]PAVLLLTAVD